The following is an entry in ClinVar:

ClinVar aggregate classification (germline): Uncertain significance (1 of 4 stars; one submission).

Allele frequency attached by ClinVar (database versions not stated): ExAC 0.00001; gnomAD exomes 0.00001 and 0.00002.
gnomAD v4.1: 22 of 1,613,958 alleles (0.0014%); highest among the groups gnomAD compares: Admixed American, 0.0033%; no homozygotes.

Submission:

Labcorp Genetics (formerly Invitae), Labcorp
Classification: Uncertain significance. Last evaluated: 2022-10-17. Review status: criteria provided, single submitter. Criteria: Invitae Variant Classification Sherloc (09022015). Collection method: clinical testing. Allele origin: germline.
Comment: This sequence change replaces arginine, which is basic and polar, with histidine, which is basic and polar, at codon 712 of the CNGB1 protein (p.Arg712His). This variant is present in population databases (rs749886760, gnomAD 0.009%). This variant has not been reported in the literature in individuals affected with CNGB1-related conditions. ClinVar contains an entry for this variant (Variation ID: 1481621). Advanced modeling of protein sequence and biophysical properties (such as structural, functional, and spatial information, amino acid conservation, physicochemical variation, residue mobility, and thermodynamic stability) performed at Invitae indicates that this missense variant is not expected to disrupt CNGB1 protein function. In summary, the available evidence is currently insufficient to determine the role of this variant in disease. Therefore, it has been classified as a Variant of Uncertain Significance.

NM_001297.5(CNGB1):c.2135G>A (p.Arg712His)

Gene: CNGB1 (cyclic nucleotide gated channel subunit beta 1; minus strand). Cytogenetic location: 16q21.
Variant type: single nucleotide variant.
Coding change: c.2135G>A on transcript NM_001297.5 (MANE Select); coding-DNA position 2135, G replaced by A.
Protein change: p.Arg712His; replaces arginine 712 with histidine.
Molecular consequence: missense variant.
Genome position (GRCh38, 1-based): chr16:57,917,299, C>T on the plus strand (G>A on the coding strand, the complement: CNGB1 is on the minus strand). VCF-style: chr16-57917299-C-T. GRCh37 (hg19) VCF-style: chr16-57951203-C-T.
Other names: c.2117G>A, p.Arg706His (NM_001286130.2); short protein forms R706H, R712H.
Identifiers: ClinVar variation 1481621 (VCV001481621.3), dbSNP rs749886760, ClinGen allele CA8083167.